The following is an entry in ClinVar:

NM_015346.4(ZFYVE26):c.5980G>A (p.Gly1994Ser)

Gene: ZFYVE26 (zinc finger FYVE-type containing 26; minus strand). Cytogenetic location: 14q24.1.
Variant type: single nucleotide variant.
Coding change: c.5980G>A on transcript NM_015346.4 (MANE Select); coding-DNA position 5980, G replaced by A.
Protein change: p.Gly1994Ser; replaces glycine 1994 with serine.
Molecular consequence: missense variant.
Genome position (GRCh38, 1-based): chr14:67,766,258, C>T on the plus strand (G>A on the coding strand, the complement: ZFYVE26 is on the minus strand). VCF-style: chr14-67766258-C-T. GRCh37 (hg19) VCF-style: chr14-68232975-C-T.
Other names: c.5980G>A (NM_015346.3); short protein forms G1994S.
Identifiers: ClinVar variation 2199263 (VCV002199263.5), dbSNP rs765067264, ClinGen allele CA7239345.

ClinVar aggregate classification (germline): Uncertain significance. Review status: criteria provided, multiple submitters, no conflicts (2 of 4 stars). 2 submissions from 2 submitters: Uncertain significance (2). Last evaluated 2025-05-18.

Conditions:
Spastic paraplegia. Identifiers: MedGen C0037772, HP:0001258.
Inborn genetic diseases. Identifiers: MedGen C0950123, MeSH D030342.

Allele frequency attached by ClinVar (database versions not stated): ExAC 0.00002; gnomAD exomes 0.00002; gnomAD 0.00003; TOPMed 0.00006.
gnomAD v4.1: 47 of 1,613,898 alleles (0.0029%); highest among the groups gnomAD compares: Middle Eastern, 0.033%; no homozygotes.

Submissions (2):

Ambry Genetics
Classification: Uncertain significance for Inborn genetic diseases. Last evaluated: 2025-05-18. Review status: criteria provided, single submitter. Criteria: Ambry Variant Classification Scheme 2023. Collection method: clinical testing. Allele origin: germline.

Labcorp Genetics (formerly Invitae), Labcorp
Classification: Uncertain significance for Spastic paraplegia. Last evaluated: 2025-03-10. Review status: criteria provided, single submitter. Criteria: Invitae Variant Classification Sherloc (09022015). Collection method: clinical testing. Allele origin: germline.
Comment: This sequence change replaces glycine, which is neutral and non-polar, with serine, which is neutral and polar, at codon 1994 of the ZFYVE26 protein (p.Gly1994Ser). This variant is present in population databases (rs765067264, gnomAD 0.03%). This variant has not been reported in the literature in individuals affected with ZFYVE26-related conditions. ClinVar contains an entry for this variant (Variation ID: 2199263). An algorithm developed to predict the effect of missense changes on protein structure and function (PolyPhen-2) suggests that this variant is likely to be disruptive. In summary, the available evidence is currently insufficient to determine the role of this variant in disease. Therefore, it has been classified as a Variant of Uncertain Significance.